The following is an entry in ClinVar:

ClinVar aggregate classification (germline): Likely pathogenic (1 of 4 stars; one submission).

Conditions:
Retinitis pigmentosa (RP). Identifiers: Orphanet 791, MedGen C0035334, MeSH D012174, MONDO:0019200, OMIM 268000. Inheritance: Autosomal dominant, autosomal recessive and X linked inheritance.

Submission:

Ophthalmic Genetics Group, Institute of Molecular and Clinical Ophthalmology Basel
Classification: Likely pathogenic for Retinitis pigmentosa. Last evaluated: 2023-07-24. Review status: criteria provided, single submitter. Criteria: ACMG Guidelines, 2015. Collection method: research. Allele origin: germline. Affected: yes. Observed: 1 variant allele.
Comment: Clinical significance based on ACMG v2.0

This variant was classified as Likely pathogenic based on ACMG criteria: PVS1, PM2.

Literature cited by the submitters: PubMed 36909829.

NM_001297.5(CNGB1):c.2567_2568del (p.Leu855_Phe856insTer)

Gene: CNGB1 (cyclic nucleotide gated channel subunit beta 1; minus strand). Cytogenetic location: 16q21.
Variant type: Deletion.
Coding change: c.2567_2568del on transcript NM_001297.5 (MANE Select); coding-DNA positions 2567 to 2568, 2 bases deleted (TT; older notation c.2567_2568delTT).
Protein change: p.Leu855_Phe856insTer.
Molecular consequence: nonsense.
Genome position (GRCh38, 1-based): chr16:57,904,800-57,904,801, AA deleted on the plus strand (TT on the coding strand, the reverse complement: CNGB1 is on the minus strand); deleting any 2 consecutive bases within chr16:57,904,800-57,904,802 gives the same sequence; the c. name uses the placement nearest the transcript's 3' end. VCF-style (leftmost placement, unchanged base first): chr16-57904799-CAA-C. GRCh37 (hg19) VCF-style: chr16-57938703-CAA-C.
Other names: NC_000016.9:g.57938705_57938706del; NP_001288.3:p.(Phe856Ter); c.2549_2550del, p.Leu849_Phe850insTer (NM_001286130.2).
Identifiers: ClinVar variation 2577510 (VCV002577510.2), dbSNP rs2544620357, ClinGen allele CA2580617536.